The following is an entry in ClinVar:

ClinVar aggregate classification (germline): Benign (1 of 4 stars; one submission).

Conditions:
Familial adenomatous polyposis 1 (FAP1). Also called: POLYPOSIS, ADENOMATOUS INTESTINAL; FAMILIAL ADENOMATOUS POLYPOSIS 1, ATTENUATED. Identifiers: MedGen C2713442, MONDO:0021056, OMIM 175100. Disease mechanism: loss of function.

Allele frequency attached by ClinVar (database versions not stated): gnomAD exomes below 0.00001.
gnomAD v4.1: 2 of 1,613,340 alleles (0.00012%); highest among the groups gnomAD compares: Non-Finnish European, 0.000085%; no homozygotes.

Submission:

Myriad Genetics, Inc.
Classification: Benign for Familial adenomatous polyposis 1. Last evaluated: 2024-04-04. Review status: criteria provided, single submitter. Criteria: Myriad Autosomal Dominant, Autosomal Recessive and X-Linked Classification Criteria (2023). Collection method: clinical testing. Allele origin: unknown.
Comment: This variant is considered benign. This variant is a silent/synonymous amino acid change and it is not expected to impact splicing.

NM_000038.6(APC):c.6432G>A (p.Leu2144=)

Gene: APC (APC regulator of Wnt signaling pathway; plus strand). Cytogenetic location: 5q22.2.
Variant type: single nucleotide variant.
Coding change: c.6432G>A on transcript NM_000038.6 (MANE Select); coding-DNA position 6432, G replaced by A.
Protein change: p.Leu2144=; no amino-acid change (leucine 2144 retained).
Molecular consequence: synonymous variant. On other transcripts: non-coding transcript variant (2).
Genome position (GRCh38, 1-based): chr5:112,842,026, G>A. VCF-style: chr5-112842026-G-A. GRCh37 (hg19) VCF-style: chr5-112177723-G-A.
Other names: c.6432G>A, p.Leu2144= (NM_001127510.3, NM_001354895.2, NM_001407450.1); c.6378G>A, p.Leu2126= (NM_001127511.3); c.6486G>A, p.Leu2162= (NM_001354896.2, NM_001407447.1, NM_001407448.1 and 1 more transcripts); c.6462G>A, p.Leu2154= (NM_001354897.2); c.6357G>A, p.Leu2119= (NM_001354898.2); c.6348G>A, p.Leu2116= (NM_001354899.2); c.6309G>A, p.Leu2103= (NM_001354900.2); c.6255G>A, p.Leu2085= (NM_001354901.2, NM_001407453.1); and 11 more.
Identifiers: ClinVar variation 3253860 (VCV003253860.1), dbSNP rs1580670718.